The following is an entry in ClinVar:

NM_138409.4(MRAP2):c.128-3C>A

Gene: MRAP2 (melanocortin 2 receptor accessory protein 2; plus strand). Cytogenetic location: 6q14.2.
Variant type: single nucleotide variant.
Coding change: c.128-3C>A on transcript NM_138409.4 (MANE Select); 3 bases into the intron before coding-DNA position 128, C replaced by A.
Molecular consequence: intron variant.
Genome position (GRCh38, 1-based): chr6:84,062,890, C>A. VCF-style: chr6-84062890-C-A. GRCh37 (hg19) VCF-style: chr6-84772609-C-A.
Other names: c.128-3C>A (NM_001346542.2, NM_001346544.2); c.-132-3C>A (NM_001346543.2); c.-32+7445C>A (NM_001346541.2).
Identifiers: ClinVar variation 3035282 (VCV003035282.2), dbSNP rs1482507812, ClinGen allele CA568302543.

ClinVar aggregate classification (germline): Uncertain significance (0 of 4 stars; one submission).

Conditions:
MRAP2-related disorder. Also called: MRAP2-related condition.

Allele frequency attached by ClinVar (database versions not stated): gnomAD exomes below 0.00001; TOPMed 0.00002.
gnomAD v4.1: 1 of 1,614,124 alleles (0.000062%); highest among the groups gnomAD compares: Admixed American, 0.0017%; no homozygotes.

Submission:

PreventionGenetics, part of Exact Sciences
Classification: Uncertain significance for MRAP2-related condition. Last evaluated: 2023-12-19. Review status: no assertion criteria provided. Collection method: clinical testing. Allele origin: germline.
Comment: The MRAP2 c.128-3C>A variant is predicted to interfere with splicing. This variant may decrease the strength of the canonical splice acceptor site (SpliceAI, Jaganathan et al. 2019. PubMed ID: 30661751). To our knowledge, this variant has not been reported in the literature. This variant is reported in 0.0029% of alleles in individuals of Latino descent in gnomAD. At this time, the clinical significance of this variant is uncertain due to the absence of conclusive functional and genetic evidence.